The following is an entry in ClinVar:

NM_000533.5(PLP1):c.1A>G (p.Met1Val)

Genes: PLP1 (proteolipid protein 1; plus strand), RAB9B (RAB9B, member RAS oncogene family; minus strand). Cytogenetic location: Xq22.2.
Variant type: single nucleotide variant.
Coding change: c.1A>G on transcript NM_000533.5 (MANE Select); coding-DNA position 1, A replaced by G.
Protein change: p.Met1Val; changes the start codon (methionine 1).
Molecular consequence: missense variant, initiator codon variant.
Genome position (GRCh38, 1-based): chrX:103,776,996, A>G. VCF-style: chrX-103776996-A-G. GRCh37 (hg19) VCF-style: chrX-103031924-A-G.
Other names: c.1A>G, p.Met1Val (NM_001128834.3, NM_001305004.1, NM_199478.3); short protein forms M1V.
Identifiers: ClinVar variation 209183 (VCV000209183.9), dbSNP rs797045064, ClinGen allele CA276159.
Genomic context (GRCh38, chrX:103,776,996, plus strand): 5'-AAAGTCAGCCACAAAGCAGACTAGCCAGCCGGCTACAATTGGAGTCAGAGTCCCAAAGAC[A>G]TGGGTAAGTTTCAAAAACTTTAGCATTGAAGATTCAAGAGGACACAGGAATTCACAAGAG-3'
Protein context (NP_000524.3, residues 1-11): [Met1Val]GLLECCARCL

ClinVar aggregate classification (germline): Pathogenic. Review status: criteria provided, multiple submitters, no conflicts (2 of 4 stars). 3 submissions from 3 submitters: Pathogenic (3). Last evaluated 2021-08-04.

Conditions:
PLP1-related disorder. Also called: PLP1-related condition; PLP1-Related Disorders. Identifiers: MedGen CN378767.
Pelizaeus-Merzbacher disease. Also called: Sudanophilic leukodystrophy; Pelizeaus-Merzbacher spectrum disorder; Pelizaeus-Merzbacher spectrum disorder; Pelizaeus-Merzbacher Disease (PMD); LEUKODYSTROPHY, HYPOMYELINATING, 1. Identifiers: Orphanet 702, MedGen C0205711, MONDO:0010714, OMIM 312080, HP:0003269.
Hereditary spastic paraplegia 2 (SPG2). Also called: SPASTIC PARAPLEGIA 2, X-LINKED; Spastic Paraplegia 2 (SPG2). Identifiers: Orphanet 99015, MedGen C0751604, MONDO:0010733, OMIM 312920.

Submissions (3):

Labcorp Genetics (formerly Invitae), Labcorp
Classification: Pathogenic for Hereditary spastic paraplegia 2. Last evaluated: 2021-08-04. Review status: criteria provided, single submitter. Criteria: Invitae Variant Classification Sherloc (09022015). Collection method: clinical testing. Allele origin: germline.
Comment: This sequence change affects the initiator methionine of the PLP1 mRNA. The next in-frame methionine is located at codon 206. This variant is not present in population databases (ExAC no frequency). Disruption of the initiator codon has been observed in individuals with clinical features of PLP1-related conditions (PMID: 8786077, 10417279, 12910435, 22343157). It has also been observed to segregate with disease in related individuals. ClinVar contains an entry for this variant (Variation ID: 209183). For these reasons, this variant has been classified as Pathogenic.

Blueprint Genetics
Classification: Pathogenic for PLP1-related disorders. Last evaluated: 2020-12-20. Review status: criteria provided, single submitter. Criteria: ACMG Guidelines, 2015. Collection method: clinical testing. Allele origin: germline. Affected: yes. Observed: 1 variant allele.

Baylor Genetics
Classification: Pathogenic for Pelizaeus-Merzbacher disease. Last evaluated: 2014-09-23. Review status: criteria provided, single submitter. Criteria: Yang et al. 2013. Collection method: clinical testing. Allele origin: maternal. Inheritance: X-linked inheritance. Affected: yes. Observed: 1 variant allele, 1 hemizygote. Study: Adult_WES.

Literature cited by the submitters: PubMed 8786077 (cited by Labcorp Genetics (formerly Invitae), Labcorp); PubMed 10417279 (cited by Labcorp Genetics (formerly Invitae), Labcorp); PubMed 12910435 (cited by Labcorp Genetics (formerly Invitae), Labcorp and Baylor Genetics); PubMed 22343157 (cited by Labcorp Genetics (formerly Invitae), Labcorp); PubMed 26633545 (cited by Baylor Genetics).